The following is an entry in ClinVar:

ClinVar aggregate classification (germline): Uncertain significance. Review status: criteria provided, multiple submitters, no conflicts (2 of 4 stars). 2 submissions from 2 submitters: Uncertain significance (2). Last evaluated 2020-04-28.

Conditions:
Familial thoracic aortic aneurysm and aortic dissection (TAAD). Also called: Thoracic aortic aneurysms and dissections. Identifiers: Orphanet 91387, MedGen C4707243, MONDO:0019625.

Allele frequency attached by ClinVar (database versions not stated): TOPMed below 0.00001.

Submissions (2):

Ambry Genetics
Classification: Uncertain significance for Familial thoracic aortic aneurysm and aortic dissection. Last evaluated: 2020-04-28. Review status: criteria provided, single submitter. Criteria: Ambry Variant Classification Scheme 2023. Collection method: clinical testing. Allele origin: germline.
Comment: The p.L900F variant (also known as c.2698C>T), located in coding exon 21 of the FBN2 gene, results from a C to T substitution at nucleotide position 2698. The leucine at codon 900 is replaced by phenylalanine, an amino acid with highly similar properties, and is located in the hybrid motif #2 domain. This amino acid position is highly conserved in available vertebrate species. In addition, this alteration is predicted to be deleterious by in silico analysis. Since supporting evidence is limited at this time, the clinical significance of this alteration remains unclear.

GeneDx
Classification: Uncertain significance. Last evaluated: 2017-01-31. Review status: criteria provided, single submitter. Criteria: GeneDx Variant Classification (06012015). Collection method: clinical testing. Allele origin: germline. Affected: yes.
Comment: A variant of uncertain significance has been identified in the FBN2 gene. The L900F variant has notbeen published as pathogenic or been reported as benign to our knowledge. This variant is not observedin large population cohorts (Lek et al., 2016; 1000 Genomes Consortium et al., 2015; Exome VariantServer). This substitution occurs at a position that is conserved across species, and in silico analysispredicts this variant is probably damaging to the protein structure/function. However, to ourknowledge no studies have been performed to determine the functional effect of the L900F variant.The L900F variant is a conservative amino acid substitution, which is not likely to impact secondaryprotein structure as these residues share similar properties. Furthermore, L900F does not affect aCysteine residue within a calcium-binding EGF-like domain of the FBN2 gene. Cysteine substitutions inthe calcium-binding EGF-like domains represent the majority of pathogenic missense changesassociated with congenital arachnodactyly (Collod-Beroud et al., 2003; FrÃ©dÃ©ric et al., 2009).

NM_001999.4(FBN2):c.2698C>T (p.Leu900Phe)

Gene: FBN2 (fibrillin 2; minus strand). Cytogenetic location: 5q23.3.
Variant type: single nucleotide variant.
Coding change: c.2698C>T on transcript NM_001999.4 (MANE Select); coding-DNA position 2698, C replaced by T.
Protein change: p.Leu900Phe; replaces leucine 900 with phenylalanine.
Molecular consequence: missense variant.
Genome position (GRCh38, 1-based): chr5:128,350,982, G>A on the plus strand (C>T on the coding strand, the complement: FBN2 is on the minus strand). VCF-style: chr5-128350982-G-A. GRCh37 (hg19) VCF-style: chr5-127686674-G-A.
Other names: short protein forms L900F.
Identifiers: ClinVar variation 393249 (VCV000393249.4), dbSNP rs1057524854, ClinGen allele CA16605263.